The following is an entry in ClinVar:

NM_007194.4(CHEK2):c.908+6T>A

Gene: CHEK2 (checkpoint kinase 2; minus strand). Cytogenetic location: 22q12.1.
Variant type: single nucleotide variant.
Coding change: c.908+6T>A on transcript NM_007194.4 (MANE Select); 6 bases into the intron after coding-DNA position 908, T replaced by A.
Molecular consequence: intron variant.
Genome position (GRCh38, 1-based): chr22:28,703,499, A>T on the plus strand (T>A on the coding strand, the complement: CHEK2 is on the minus strand). VCF-style: chr22-28703499-A-T. GRCh37 (hg19) VCF-style: chr22-29099487-A-T.
Other names: c.245+6T>A (NM_001437942.1, NM_001257387.3); c.707+6T>A (NM_001349956.3); c.908+6T>A (NM_145862.3); c.1001+6T>A (NM_001438295.1, NM_001438293.1); c.1037+6T>A (NM_001438294.1, NM_001005735.3).
Identifiers: ClinVar variation 1347779 (VCV001347779.7), dbSNP rs748988275, ClinGen allele CA2573158041.

ClinVar aggregate classification (germline): Uncertain significance (1 of 4 stars; one submission).

Conditions:
Familial cancer of breast. Also called: hereditary breast carcinoma; Hereditary breast cancer; BREAST CANCER, FAMILIAL. Identifiers: Orphanet 227535, MedGen C0346153, MONDO:0016419, OMIM 114480. Disease mechanism: loss of function.

Submission:

Labcorp Genetics (formerly Invitae), Labcorp
Classification: Uncertain significance for Familial cancer of breast. Last evaluated: 2025-06-09. Review status: criteria provided, single submitter. Criteria: Invitae Variant Classification Sherloc (09022015). Collection method: clinical testing. Allele origin: germline.
Comment: This sequence change falls in intron 8 of the CHEK2 gene. It does not directly change the encoded amino acid sequence of the CHEK2 protein. It affects a nucleotide within the consensus splice site. This variant is not present in population databases (gnomAD no frequency). This variant has not been reported in the literature in individuals affected with CHEK2-related conditions. ClinVar contains an entry for this variant (Variation ID: 1347779). Variants that disrupt the consensus splice site are a relatively common cause of aberrant splicing (PMID: 17576681, 9536098). Studies have shown that this variant is associated with inconclusive levels of altered splicing (internal data). In summary, the available evidence is currently insufficient to determine the role of this variant in disease. Therefore, it has been classified as a Variant of Uncertain Significance.

Literature cited by the submitters: PubMed 17576681; PubMed 9536098.